The following is an entry in ClinVar:

NM_198578.4(LRRK2):c.6593G>A (p.Arg2198Lys)

Gene: LRRK2 (leucine rich repeat kinase 2; plus strand). Cytogenetic location: 12q12.
Variant type: single nucleotide variant.
Coding change: c.6593G>A on transcript NM_198578.4 (MANE Select); coding-DNA position 6593, G replaced by A.
Protein change: p.Arg2198Lys; replaces arginine 2198 with lysine.
Molecular consequence: missense variant.
Genome position (GRCh38, 1-based): chr12:40,354,315, G>A. VCF-style: chr12-40354315-G-A. GRCh37 (hg19) VCF-style: chr12-40748117-G-A.
Other names: short protein forms R2198K.
Identifiers: ClinVar variation 3229742 (VCV003229742.1), dbSNP rs2499993215, ClinGen allele CA384408783.
Genomic context (GRCh38, chr12:40,354,315, plus strand): 5'-AGCTTAAATCAAATCCTGCTAAGTATATTTTCTTTTCTTAACAGGAAGTTGCTGATAGTA[G>A]AATATTGTGCTTAGCCTTGGTGCATCTTCCTGTTGAAAAGGAAAGCTGGATTGTGTCTGG-3'
Protein context (NP_940980.4, residues 2188-2208): GYTSEEVADS[Arg2198Lys]ILCLALVHLP

ClinVar aggregate classification (germline): Uncertain significance (1 of 4 stars; one submission).

Conditions:
Inborn genetic diseases. Identifiers: MedGen C0950123, MeSH D030342.

Allele frequency attached by ClinVar (database versions not stated): gnomAD exomes below 0.00001.
gnomAD v4.1: 3 of 1,614,050 alleles (0.00019%); highest among the groups gnomAD compares: Non-Finnish European, 0.00017%; no homozygotes.

Submission:

Ambry Genetics
Classification: Uncertain significance for Inborn genetic diseases. Last evaluated: 2024-02-22. Review status: criteria provided, single submitter. Criteria: Ambry Variant Classification Scheme 2023. Collection method: clinical testing. Allele origin: germline.
Comment: The p.R2198K variant (also known as c.6593G>A), located in coding exon 45 of the LRRK2 gene, results from a G to A substitution at nucleotide position 6593. The arginine at codon 2198 is replaced by lysine, an amino acid with highly similar properties. This amino acid position is conserved. In addition, this alteration is predicted to be tolerated by in silico analysis. Based on the available evidence, the clinical significance of this alteration remains unclear.